The following is an entry in ClinVar:

NM_001142966.3(GREB1L):c.300C>A (p.Ser100Arg)

Genes: GREB1L (GREB1 like retinoic acid receptor coactivator; plus strand), GREB1L-AS1 (GREB1L antisense RNA 1; minus strand). Cytogenetic location: 18q11.1.
Variant type: single nucleotide variant.
Coding change: c.300C>A on transcript NM_001142966.3 (MANE Select); coding-DNA position 300, C replaced by A.
Protein change: p.Ser100Arg; replaces serine 100 with arginine.
Molecular consequence: missense variant.
Genome position (GRCh38, 1-based): chr18:21,384,348, C>A. VCF-style: chr18-21384348-C-A. GRCh37 (hg19) VCF-style: chr18-18964309-C-A.
Other names: c.300C>A, p.Ser100Arg (NM_001410867.1, NM_001410868.1); short protein forms S100R.
Identifiers: ClinVar variation 4975552 (VCV004975552.1).
Genomic context (GRCh38, chr18:21,384,348, plus strand): 5'-TCTAACAGTTAATGAAATGGAAGATGATGAAGACGATGAAGAAATGTCTGATTCAAACAG[C>A]CCACCAATTCCCTATTCACAAAAACCTGCCCCAGAAGGATCTTGCACTACAGATGGTGGG-3'
Protein context (NP_001136438.1, residues 90-110): EDDEEMSDSN[Ser100Arg]PPIPYSQKPA

ClinVar aggregate classification (germline): Uncertain significance (1 of 4 stars; one submission).

Submission:

GeneDx
Classification: Uncertain significance. Last evaluated: 2026-01-23. Review status: criteria provided, single submitter. Criteria: GeneDx Variant Classification Process June 2021. Collection method: clinical testing. Allele origin: germline.
Comment: Not observed at significant frequency in large population cohorts (gnomAD); In silico analysis supports that this missense variant has a deleterious effect on protein structure/function; Has not been previously published as pathogenic or benign to our knowledge